The following is an entry in ClinVar:

ClinVar aggregate classification (germline): Uncertain significance (1 of 4 stars; one submission).

Allele frequency attached by ClinVar (database versions not stated): gnomAD exomes below 0.00001; ExAC 0.00001; gnomAD 0.00003; TOPMed 0.00007; ESP Exome Variant Server 0.00015.
gnomAD v4.1: 8 of 1,614,092 alleles (0.0005%); highest among the groups gnomAD compares: African/African-American, 0.0093%; no homozygotes.

Submission:

Labcorp Genetics (formerly Invitae), Labcorp
Classification: Uncertain significance. Last evaluated: 2024-02-05. Review status: criteria provided, single submitter. Criteria: Invitae Variant Classification Sherloc (09022015). Collection method: clinical testing. Allele origin: germline.
Comment: This sequence change replaces histidine, which is basic and polar, with arginine, which is basic and polar, at codon 2036 of the FAT2 protein (p.His2036Arg). This variant is present in population databases (rs144992055, gnomAD 0.01%). This variant has not been reported in the literature in individuals affected with FAT2-related conditions. Advanced modeling of protein sequence and biophysical properties (such as structural, functional, and spatial information, amino acid conservation, physicochemical variation, residue mobility, and thermodynamic stability) performed at Invitae indicates that this missense variant is not expected to disrupt FAT2 protein function with a negative predictive value of 80%. In summary, the available evidence is currently insufficient to determine the role of this variant in disease. Therefore, it has been classified as a Variant of Uncertain Significance.

NM_001447.3(FAT2):c.6107A>G (p.His2036Arg)

Genes: FAT2 (FAT atypical cadherin 2; minus strand), SLC36A1 (solute carrier family 36 member 1; plus strand). Cytogenetic location: 5q33.1.
Variant type: single nucleotide variant.
Coding change: c.6107A>G on transcript NM_001447.3 (MANE Select); coding-DNA position 6107, A replaced by G.
Protein change: p.His2036Arg; replaces histidine 2036 with arginine.
Molecular consequence: missense variant.
Genome position (GRCh38, 1-based): chr5:151,545,020, T>C on the plus strand (A>G on the coding strand, the complement: FAT2 is on the minus strand). VCF-style: chr5-151545020-T-C. GRCh37 (hg19) VCF-style: chr5-150924581-T-C.
Other names: short protein forms H2036R.
Identifiers: ClinVar variation 2903878 (VCV002903878.3), dbSNP rs144992055, ClinGen allele CA3521166.